The following is an entry in ClinVar:

ClinVar aggregate classification (germline): Benign/Likely benign. Review status: criteria provided, multiple submitters, no conflicts (2 of 4 stars). 16 submissions from 16 submitters: Benign (10); Likely benign (5). 1 of the submissions does not count toward it. Last evaluated 2026-02-01.

Conditions:
Hereditary cancer-predisposing syndrome. Also called: Hereditary Cancer Syndrome; Tumor predisposition; Neoplastic Syndromes, Hereditary; Hereditary neoplastic syndrome. Identifiers: Orphanet 140162, MedGen C0027672, MeSH D009386, MONDO:0015356.
Tuberous sclerosis syndrome (TSC). Also called: Tuberous Sclerosis Complex; Tuberous sclerosis. Identifiers: Orphanet 805, MedGen C0041341, MONDO:0001734.
Tuberous sclerosis 2 (TSC2). Identifiers: Orphanet 805, MedGen C1860707, MONDO:0013199, OMIM 613254.

Allele frequency attached by ClinVar (database versions not stated): gnomAD exomes 0.00013 and 0.00027; ExAC 0.00034; 1000 Genomes Project 0.00060; ESP Exome Variant Server 0.00062; 1000 Genomes Project 30x 0.00094; gnomAD 0.00104 and 0.00109; TOPMed 0.00117.
gnomAD v4.1: 370 of 1,609,186 alleles (0.023%); highest among the groups gnomAD compares: African/African-American, 0.34%; 2 homozygotes.

Submissions (18):

Labcorp Genetics (formerly Invitae), Labcorp
Classification: Benign for Tuberous sclerosis 2. Last evaluated: 2026-02-01. Review status: criteria provided, single submitter. Criteria: Invitae Variant Classification Sherloc (09022015). Collection method: clinical testing. Allele origin: germline.

CeGaT Center for Human Genetics Tuebingen
Classification: Likely benign. Last evaluated: 2025-12-01. Review status: criteria provided, single submitter. Criteria: CeGaT Center For Human Genetics Tuebingen Variant Classification Criteria Version 2. Collection method: clinical testing. Allele origin: germline. Affected: yes. Observed: 2 variant alleles.
Comment: TSC2: BP4, BP7, BS1

Myriad Genetics, Inc.
Classification: Benign for Tuberous sclerosis 2. Last evaluated: 2025-06-03. Review status: criteria provided, single submitter. Criteria: Myriad Autosomal Dominant, Autosomal Recessive and X-Linked Classification Criteria (2023). Collection method: clinical testing. Allele origin: unknown.
Comment: This variant is considered benign. This variant is a silent/synonymous amino acid change and it is not expected to impact splicing.

Blueprint Genetics
Classification: Likely benign. Last evaluated: 2024-11-27. Review status: criteria provided, single submitter. Criteria: ACMG Guidelines, 2015. Collection method: clinical testing. Allele origin: germline.

Athena Diagnostics
Classification: Benign. Last evaluated: 2024-02-19. Review status: criteria provided, single submitter. Criteria: Athena Diagnostics Criteria. Collection method: clinical testing. Allele origin: unknown.

All of Us Research Program, National Institutes of Health
Classification: Benign for Tuberous sclerosis syndrome. Last evaluated: 2024-02-05. Review status: criteria provided, single submitter. Criteria: ACMG Guidelines, 2015. Collection method: clinical testing. Allele origin: germline. Inheritance: Autosomal dominant inheritance. Observed: 79 variant alleles, 79 heterozygotes.
Comment: This study involves interpretation of variants in research participants for the purpose of population health screening. Participant phenotype was not available at the time of variant classification. Additional details can be found in publication PMID: 35346344, PMCID: PMC8962531

Color Diagnostics, LLC DBA Color Health
Classification: Benign for Tuberous sclerosis syndrome. Last evaluated: 2022-10-07. Review status: criteria provided, single submitter. Criteria: ACMG Guidelines, 2015. Collection method: clinical testing. Allele origin: germline.

ARUP Laboratories, Molecular Genetics and Genomics, ARUP Laboratories
Classification: Benign. Last evaluated: 2022-01-26. Review status: criteria provided, single submitter. Criteria: ARUP Molecular Germline Variant Investigation Process 2021. Collection method: clinical testing. Allele origin: germline.

Genome-Nilou Lab
Classification: Benign for Tuberous sclerosis 2. Last evaluated: 2021-11-07. Review status: criteria provided, single submitter. Criteria: ACMG Guidelines, 2015. Collection method: clinical testing. Allele origin: germline. Affected: no.

Sema4
Classification: Benign for Hereditary cancer-predisposing syndrome. Last evaluated: 2020-10-22. Review status: criteria provided, single submitter. Criteria: Sema4 Curation Guidelines. Collection method: curation. Allele origin: germline.

Illumina Laboratory Services, Illumina
Classification: Benign for Tuberous sclerosis syndrome. Last evaluated: 2018-01-13. Review status: criteria provided, single submitter. Criteria: ICSL Variant Classification Criteria 13 December 2019. Collection method: clinical testing. Allele origin: germline.
Comment: This variant was observed in the ICSL laboratory as part of a predisposition screen in an ostensibly healthy population. It had not been previously curated by ICSL or reported in the Human Gene Mutation Database (HGMD: prior to June 1st, 2018), and was therefore a candidate for classification through an automated scoring system. Utilizing variant allele frequency, disease prevalence and penetrance estimates, and inheritance mode, an automated score was calculated to assess if this variant is too frequent to cause the disease. Based on the score and internal cut-off values, a variant classified as benign is not then subjected to further curation. The score for this variant resulted in a classification of benign for this disease.

Eurofins Ntd Llc (ga)
Classification: Likely benign. Last evaluated: 2017-11-01. Review status: criteria provided, single submitter. Criteria: EGL Classification Definitions 2015. Collection method: clinical testing. Allele origin: germline. Observed: 1 variant allele, 1 heterozygote.

Ambry Genetics
Classification: Likely benign for Hereditary cancer-predisposing syndrome. Last evaluated: 2016-01-12. Review status: criteria provided, single submitter. Criteria: Ambry Variant Classification Scheme 2023. Collection method: clinical testing. Allele origin: germline.

GeneDx
Classification: Benign. Last evaluated: 2014-01-23. Review status: criteria provided, single submitter. Criteria: GeneDx Variant Classification (06012015). Collection method: clinical testing. Allele origin: germline. Affected: yes.
Comment: This variant is considered likely benign or benign based on one or more of the following criteria: it is a conservative change, it occurs at a poorly conserved position in the protein, it is predicted to be benign by multiple in silico algorithms, and/or has population frequency not consistent with disease.

PreventionGenetics, part of Exact Sciences
Classification: Likely benign. Review status: criteria provided, single submitter. Criteria: ACMG Guidelines, 2015. Collection method: clinical testing. Allele origin: germline.

Dr. Peter K. Rogan Lab, Western University
No classification provided (evidence only). Condition: Uterine corpus endometrial carcinoma. Review status: no classification provided. Collection method: in vitro. Allele origin: not applicable. Functional consequence: skipped exon, retained intron. Not counted in ClinVar's aggregate classification.

Dr. Peter K. Rogan Lab, Western University
No classification provided (evidence only). Condition: Hepatocellular carcinoma. Review status: no classification provided. Collection method: in vitro. Allele origin: not applicable. Functional consequence: skipped exon. Not counted in ClinVar's aggregate classification.

Tuberous sclerosis database (TSC2)
No classification provided. Condition: TSC. Review status: no classification provided. Criteria: Tuberous Sclerosis Database Assertion Criteria 2015. Collection method: curation. Allele origin: germline. Affected: yes. Not counted in ClinVar's aggregate classification.

Literature cited by the submitters: PubMed 17304050 (cited by Athena Diagnostics).

NM_000548.5(TSC2):c.4293G>A (p.Ser1431=)

Gene: TSC2 (TSC complex subunit 2; plus strand). Cytogenetic location: 16p13.3.
Variant type: single nucleotide variant.
Coding change: c.4293G>A on transcript NM_000548.5 (MANE Select); coding-DNA position 4293, G replaced by A.
Protein change: p.Ser1431=; no amino-acid change (serine 1431 retained).
Molecular consequence: synonymous variant.
Genome position (GRCh38, 1-based): chr16:2,084,515, G>A. VCF-style: chr16-2084515-G-A. GRCh37 (hg19) VCF-style: chr16-2134516-G-A.
Other names: p.S1431S:TCG>TCA; c.4092G>A, p.Ser1364= (NM_001077183.3); c.4224G>A, p.Ser1408= (NM_001114382.3); c.3984G>A, p.Ser1328= (NM_001318827.2); c.3948G>A, p.Ser1316= (NM_001318829.2); c.3561G>A, p.Ser1187= (NM_001318831.2); c.4125G>A, p.Ser1375= (NM_001318832.2); c.4095G>A, p.Ser1365= (NM_001363528.2); and 2 more.
Identifiers: ClinVar variation 49292 (VCV000049292.61), dbSNP rs45487992, ClinGen allele CA020209.